The following is an entry in ClinVar:

NM_001379500.1(COL18A1):c.3536T>G (p.Met1179Arg)

Genes: COL18A1 (collagen type XVIII alpha 1 chain; plus strand), SLC19A1 (solute carrier family 19 member 1; minus strand). Cytogenetic location: 21q22.3.
Variant type: single nucleotide variant.
Coding change: c.3536T>G on transcript NM_001379500.1 (MANE Select); coding-DNA position 3536, T replaced by G.
Protein change: p.Met1179Arg; replaces methionine 1179 with arginine.
Molecular consequence: missense variant.
Genome position (GRCh38, 1-based): chr21:45,510,104, T>G. VCF-style: chr21-45510104-T-G. GRCh37 (hg19) VCF-style: chr21-46930018-T-G.
Other names: c.4067T>G, p.Met1356Arg (NM_030582.4); c.4772T>G, p.Met1591Arg (NM_130444.3); short protein forms M1356R, M1179R, M1591R.
Identifiers: ClinVar variation 1478488 (VCV001478488.6), dbSNP rs982668614, ClinGen allele CA410501524.

ClinVar aggregate classification (germline): Uncertain significance (1 of 4 stars; one submission).

Submission:

Labcorp Genetics (formerly Invitae), Labcorp
Classification: Uncertain significance. Last evaluated: 2021-06-06. Review status: criteria provided, single submitter. Criteria: Invitae Variant Classification Sherloc (09022015). Collection method: clinical testing. Allele origin: germline.
Comment: This variant is not present in population databases (ExAC no frequency). This sequence change replaces methionine with arginine at codon 1176 of the COL18A1 protein (p.Met1176Arg). There is a moderate physicochemical difference between methionine and arginine. This variant has not been reported in the literature in individuals with COL18A1-related conditions. Experimental studies and prediction algorithms are not available or were not evaluated, and the functional significance of this variant is currently unknown. In summary, the available evidence is currently insufficient to determine the role of this variant in disease. Therefore, it has been classified as a Variant of Uncertain Significance.